The following is an entry in ClinVar:

ClinVar aggregate classification (germline): Uncertain significance (1 of 4 stars; one submission).

Submission:

Labcorp Genetics (formerly Invitae), Labcorp
Classification: Uncertain significance. Last evaluated: 2022-06-20. Review status: criteria provided, single submitter. Criteria: Invitae Variant Classification Sherloc (09022015). Collection method: clinical testing. Allele origin: germline.
Comment: This variant is not present in population databases (gnomAD no frequency). This sequence change replaces asparagine, which is neutral and polar, with serine, which is neutral and polar, at codon 2652 of the LRP2 protein (p.Asn2652Ser). This variant has not been reported in the literature in individuals affected with LRP2-related conditions. In summary, the available evidence is currently insufficient to determine the role of this variant in disease. Therefore, it has been classified as a Variant of Uncertain Significance. Advanced modeling of protein sequence and biophysical properties (such as structural, functional, and spatial information, amino acid conservation, physicochemical variation, residue mobility, and thermodynamic stability) performed at Invitae indicates that this missense variant is not expected to disrupt LRP2 protein function.

NM_004525.3(LRP2):c.7955A>G (p.Asn2652Ser)

Gene: LRP2 (LDL receptor related protein 2; minus strand). Cytogenetic location: 2q31.1.
Variant type: single nucleotide variant.
Coding change: c.7955A>G on transcript NM_004525.3 (MANE Select); coding-DNA position 7955, A replaced by G.
Protein change: p.Asn2652Ser; replaces asparagine 2652 with serine.
Molecular consequence: missense variant.
Genome position (GRCh38, 1-based): chr2:169,204,032, T>C on the plus strand (A>G on the coding strand, the complement: LRP2 is on the minus strand). VCF-style: chr2-169204032-T-C. GRCh37 (hg19) VCF-style: chr2-170060542-T-C.
Other names: short protein forms N2652S.
Identifiers: ClinVar variation 1523686 (VCV001523686.8), dbSNP rs2105329234, ClinGen allele CA349167072.